The following is an entry in ClinVar:

NM_001197104.2(KMT2A):c.5632_5633dup (p.Leu1878fs)

Gene: KMT2A (lysine methyltransferase 2A; plus strand). Cytogenetic location: 11q23.3.
Variant type: Duplication.
Coding change: c.5632_5633dup on transcript NM_001197104.2 (MANE Select); coding-DNA positions 5632 to 5633, 2 bases duplicated (TT; older notation c.5632_5633dupTT).
Protein change: p.Leu1878fs; shifts the reading frame from leucine 1878.
Molecular consequence: frameshift variant.
Genome position (GRCh38, 1-based): chr11:118,496,335-118,496,336, TT duplicated. VCF-style (leftmost placement, unchanged base first): chr11-118496334-G-GTT. GRCh37 (hg19) VCF-style: chr11-118367049-G-GTT.
Other names: c.5722_5723dup, p.Leu1908fs (NM_001412597.1); c.5623_5624dup, p.Leu1875fs (NM_005933.4); short protein forms L1878fs, L1908fs, L1875fs.
Identifiers: ClinVar variation 2737934 (VCV002737934.3), dbSNP rs2496948023, ClinGen allele CA2697559004.
Genomic context (GRCh38, chr11:118,496,334, plus strand): 5'-TCGAGAAGACAGTCCAGAGCTGAACCCACCCCCAGGCATAGAAGACAATAGACAGTGTGC[G>GTT]TTATGTTTGACTTATGGTGATGACAGTGCTAATGTAAGTACTTTGCAACACAGGGCCCTA-3'

ClinVar aggregate classification (germline): Pathogenic (1 of 4 stars; one submission).

Submission:

Labcorp Genetics (formerly Invitae), Labcorp
Classification: Pathogenic. Last evaluated: 2023-06-03. Review status: criteria provided, single submitter. Criteria: Invitae Variant Classification Sherloc (09022015). Collection method: clinical testing. Allele origin: germline.
Comment: For these reasons, this variant has been classified as Pathogenic. This sequence change creates a premature translational stop signal (p.Leu1878Phefs*4) in the KMT2A gene. It is expected to result in an absent or disrupted protein product. Loss-of-function variants in KMT2A are known to be pathogenic (PMID: 22795537, 25810209, 29574747). This variant is not present in population databases (gnomAD no frequency). This variant has not been reported in the literature in individuals affected with KMT2A-related conditions.

Literature cited by the submitters: PubMed 22795537; PubMed 25810209; PubMed 29574747.